The following is an entry in ClinVar:

NM_032444.4(SLX4):c.698T>C (p.Leu233Pro)

Gene: SLX4 (SLX4 structure-specific endonuclease subunit; minus strand). Cytogenetic location: 16p13.3.
Variant type: single nucleotide variant.
Coding change: c.698T>C on transcript NM_032444.4 (MANE Select); coding-DNA position 698, T replaced by C.
Protein change: p.Leu233Pro; replaces leucine 233 with proline.
Molecular consequence: missense variant.
Genome position (GRCh38, 1-based): chr16:3,606,536, A>G on the plus strand (T>C on the coding strand, the complement: SLX4 is on the minus strand). VCF-style: chr16-3606536-A-G. GRCh37 (hg19) VCF-style: chr16-3656537-A-G.
Other names: short protein forms L233P.
Identifiers: ClinVar variation 1417113 (VCV001417113.6), dbSNP rs2151137818, ClinGen allele CA394533213.
Genomic context (GRCh38, chr16:3,606,536, plus strand): 5'-TTCCCCGCCATCATCTCCTCTTGAGGATCCTTTGGGACATTTTCTTCCCGCGCAGCCTCG[A>G]GGGAGCACTCTTCTGAAGCGTGTCTCAAACGCTCGGGGTCTGCTCTCTTGAACTGCTGCA-3'
Protein context (NP_115820.2, residues 223-243): RLRHASEECS[Leu233Pro]EAAREENVPK

ClinVar aggregate classification (germline): Uncertain significance (1 of 4 stars; one submission).

Conditions:
Fanconi anemia (FA). Also called: Fanconi's anemia. Identifiers: Orphanet 84, MedGen C0015625, MeSH D005199, MONDO:0019391.

gnomAD v4.1: 1 of 1,614,158 alleles (0.000062%); highest among the groups gnomAD compares: Non-Finnish European, 0.000085%; no homozygotes.

Submission:

Labcorp Genetics (formerly Invitae), Labcorp
Classification: Uncertain significance for Fanconi anemia. Last evaluated: 2024-09-23. Review status: criteria provided, single submitter. Criteria: Invitae Variant Classification Sherloc (09022015). Collection method: clinical testing. Allele origin: germline.
Comment: This sequence change replaces leucine, which is neutral and non-polar, with proline, which is neutral and non-polar, at codon 233 of the SLX4 protein (p.Leu233Pro). This variant is not present in population databases (gnomAD no frequency). This variant has not been reported in the literature in individuals affected with SLX4-related conditions. ClinVar contains an entry for this variant (Variation ID: 1417113). An algorithm developed to predict the effect of missense changes on protein structure and function outputs the following: PolyPhen-2: "Benign". The proline amino acid residue is found in multiple mammalian species, which suggests that this missense change does not adversely affect protein function. In summary, the available evidence is currently insufficient to determine the role of this variant in disease. Therefore, it has been classified as a Variant of Uncertain Significance.